The following is an entry in ClinVar:

NM_000152.5(GAA):c.217G>T (p.Gly73Cys)

Gene: GAA (alpha glucosidase; plus strand). Cytogenetic location: 17q25.3.
Variant type: single nucleotide variant.
Coding change: c.217G>T on transcript NM_000152.5 (MANE Select); coding-DNA position 217, G replaced by T.
Protein change: p.Gly73Cys; replaces glycine 73 with cysteine.
Molecular consequence: missense variant.
Genome position (GRCh38, 1-based): chr17:80,104,803, G>T. VCF-style: chr17-80104803-G-T. GRCh37 (hg19) VCF-style: chr17-78078602-G-T.
Other names: c.217G>T, p.Gly73Cys (NM_001079803.3, NM_001079804.3); short protein forms G73C.
Identifiers: ClinVar variation 858809 (VCV000858809.7), dbSNP rs760644219, ClinGen allele CA401360475.
Genomic context (GRCh38, chr17:80,104,803, plus strand): 5'-CACCCAGCTCACCAGCAGGGAGCCAGCAGACCAGGGCCCCGGGATGCCCAGGCACACCCC[G>T]GCCGTCCCAGAGCAGTGCCCACACAGTGCGACGTCCCCCCCAACAGCCGCTTCGATTGCG-3'
Protein context (NP_000143.2, residues 63-83): PGPRDAQAHP[Gly73Cys]RPRAVPTQCD

ClinVar aggregate classification (germline): Uncertain significance (1 of 4 stars; one submission).

Conditions:
Glycogen storage disease, type II (IOPD). Also called: Glucosidase acid-1,4-alpha deficiency; Pompe Disease; CARDIOMEGALIA GLYCOGENICA DIFFUSA; GLYCOGENOSIS, GENERALIZED, CARDIAC FORM; GSD II; Glycogen storage disease type 2. Identifiers: Orphanet 365, MedGen C0017921, MONDO:0009290, OMIM 232300.

Submission:

Labcorp Genetics (formerly Invitae), Labcorp
Classification: Uncertain significance for Glycogen storage disease, type II. Last evaluated: 2021-08-24. Review status: criteria provided, single submitter. Criteria: Invitae Variant Classification Sherloc (09022015). Collection method: clinical testing. Allele origin: germline.
Comment: This sequence change replaces glycine with cysteine at codon 73 of the GAA protein (p.Gly73Cys). The glycine residue is moderately conserved and there is a large physicochemical difference between glycine and cysteine. This variant is not present in population databases (ExAC no frequency). This variant has not been reported in the literature in individuals affected with GAA-related conditions. Algorithms developed to predict the effect of missense changes on protein structure and function are either unavailable or do not agree on the potential impact of this missense change (SIFT: "Deleterious"; PolyPhen-2: "Possibly Damaging"; Align-GVGD: "Class C0"). In summary, the available evidence is currently insufficient to determine the role of this variant in disease. Therefore, it has been classified as a Variant of Uncertain Significance.